The following is an entry in ClinVar:

ClinVar aggregate classification (germline): Benign (1 of 4 stars; one submission).

Conditions:
Ehlers-Danlos syndrome, classic type (cEDS). Identifiers: Orphanet 287, MedGen C4225429, MONDO:0007522.

Allele frequency attached by ClinVar (database versions not stated): gnomAD exomes 0.00020; gnomAD 0.00151 and 0.00162; TOPMed 0.00172; 1000 Genomes Project 30x 0.00203; 1000 Genomes Project 0.00220.
gnomAD v4.1: 294 of 448,906 alleles (0.065%); highest among the groups gnomAD compares: African/African-American, 0.49%; 2 homozygotes.

Submission:

Illumina Laboratory Services, Illumina
Classification: Benign for Ehlers-Danlos syndrome, classic type, 1. Last evaluated: 2018-01-13. Review status: criteria provided, single submitter. Criteria: ICSL Variant Classification Criteria 13 December 2019. Collection method: clinical testing. Allele origin: germline.
Comment: This variant was observed in the ICSL laboratory as part of a predisposition screen in an ostensibly healthy population. It had not been previously curated by ICSL or reported in the Human Gene Mutation Database (HGMD: prior to June 1st, 2018), and was therefore a candidate for classification through an automated scoring system. Utilizing variant allele frequency, disease prevalence and penetrance estimates, and inheritance mode, an automated score was calculated to assess if this variant is too frequent to cause the disease. Based on the score and internal cut-off values, a variant classified as benign is not then subjected to further curation. The score for this variant resulted in a classification of benign for this disease.

NM_000093.5(COL5A1):c.-199C>T

Gene: COL5A1 (collagen type V alpha 1 chain; plus strand). Cytogenetic location: 9q34.3.
Variant type: single nucleotide variant.
Coding change: c.-199C>T on transcript NM_000093.5 (MANE Select); 199 bases upstream of the start codon, C replaced by T.
Molecular consequence: 5 prime UTR variant.
Genome position (GRCh38, 1-based): chr9:134,641,989, C>T. VCF-style: chr9-134641989-C-T. GRCh37 (hg19) VCF-style: chr9-137533835-C-T.
Other names: c.-199C>T (NM_001278074.1).
Identifiers: ClinVar variation 915167 (VCV000915167.5), dbSNP rs183791719, ClinGen allele CA201068492.